The following is an entry in ClinVar:

NM_022168.4(IFIH1):c.1306+91C>T

Gene: IFIH1 (interferon induced with helicase C domain 1; minus strand). Cytogenetic location: 2q24.2.
Variant type: single nucleotide variant.
Coding change: c.1306+91C>T on transcript NM_022168.4 (MANE Select); 91 bases into the intron after coding-DNA position 1306, C replaced by T.
Molecular consequence: intron variant.
Genome position (GRCh38, 1-based): chr2:162,282,275, G>A on the plus strand (C>T on the coding strand, the complement: IFIH1 is on the minus strand). VCF-style: chr2-162282275-G-A. GRCh37 (hg19) VCF-style: chr2-163138785-G-A.
Identifiers: ClinVar variation 1227236 (VCV001227236.6), dbSNP rs6734769, ClinGen allele CA11324120.

ClinVar aggregate classification (germline): Benign. Review status: criteria provided, multiple submitters, no conflicts (2 of 4 stars). 3 submissions from 3 submitters: Benign (3). Last evaluated 2023-11-12.

Allele frequency attached by ClinVar (database versions not stated): gnomAD 0.12584 and 0.13094; TOPMed 0.15631; 1000 Genomes Project 0.16054; 1000 Genomes Project 30x 0.16537.
gnomAD v4.1: 41,879 of 776,612 alleles (5.4%); highest among the groups gnomAD compares: African/African-American, 32%; 4,810 homozygotes.

Submissions (3):

Unidad de Genómica Garrahan, Hospital de Pediatría Garrahan
Classification: Benign. Last evaluated: 2023-11-12. Review status: criteria provided, single submitter. Criteria: ACMG Guidelines, 2015. Collection method: clinical testing. Allele origin: germline. Affected: no. Observed: 28 variant alleles.
Comment: This variant is classified as Benign based on local population frequency. This variant was detected in 29% of patients studied by a panel of primary immunodeficiencies. Number of patients: 28. Only high quality variants are reported.

GeneDx
Classification: Benign. Last evaluated: 2021-04-03. Review status: criteria provided, single submitter. Criteria: GeneDx Variant Classification Process June 2021. Collection method: clinical testing. Allele origin: germline. Affected: yes.

Breakthrough Genomics
Classification: Benign. Review status: criteria provided, single submitter. Criteria: ACMG Guidelines, 2015. Collection method: not provided. Allele origin: germline. Inheritance: Autosomal recessive inheritance. Affected: yes.